The following is an entry in ClinVar:

ClinVar aggregate classification (germline): Pathogenic. Review status: criteria provided, multiple submitters, no conflicts (2 of 4 stars). 3 submissions from 3 submitters: Pathogenic (3). Last evaluated 2025-02-03.

Conditions:
Classic homocystinuria. Also called: HOMOCYSTINURIA WITH OR WITHOUT RESPONSE TO PYRIDOXINE; Homocystinuria due to Cystathionine Beta-Synthase Deficiency; Homocystinuria due to CBS deficiency; Cystathionine beta-synthase deficiency; CBS deficiency. Identifiers: Orphanet 394, MedGen C0751202, MONDO:0009352, OMIM 236200.
HYPERHOMOCYSTEINEMIA, THROMBOTIC, CBS-RELATED. Identifiers: MedGen C3150344, OMIM 236200.

Submissions (3):

Labcorp Genetics (formerly Invitae), Labcorp
Classification: Pathogenic for HYPERHOMOCYSTEINEMIA, THROMBOTIC, CBS-RELATED. Last evaluated: 2025-02-03. Review status: criteria provided, single submitter. Criteria: Invitae Variant Classification Sherloc (09022015). Collection method: clinical testing. Allele origin: germline.
Comment: This sequence change creates a premature translational stop signal (p.Ser466*) in the CBS gene. It is expected to result in an absent or disrupted protein product. Loss-of-function variants in CBS are known to be pathogenic (PMID: 10338090, 12124992). This variant is not present in population databases (gnomAD no frequency). This variant has not been reported in the literature in individuals affected with CBS-related conditions. ClinVar contains an entry for this variant (Variation ID: 1073191). Algorithms developed to predict the effect of sequence changes on RNA splicing suggest that this variant may disrupt the consensus splice site. For these reasons, this variant has been classified as Pathogenic.

Natera, Inc.
Classification: Pathogenic for Homocystinuria due to cystathionine beta-synthase deficiency. Last evaluated: 2024-03-20. Review status: criteria provided, single submitter. Criteria: Natera Variant Classification Schema (03/2026). Collection method: clinical testing. Allele origin: germline.
Comment: The c.1397C>A variant in CBS is a nonsense variant predicted to introduce a stop codon at amino acid 466. This variant is expected to result in nonsense mediated decay, truncation, or a dysfunctional protein product. This variant is rare in the general population with a frequency below the threshold expected for the associated phenotype(s). This variant has been observed in one or more individuals affected with the associated recessive disease, as either homozygous or compound heterozygous with a second variant (PMID: 33057012, 30873612). Given the available evidence, this variant is classified as Pathogenic.

Baylor Genetics
Classification: Pathogenic for Classic homocystinuria. Last evaluated: 2024-02-24. Review status: criteria provided, single submitter. Criteria: ACMG Guidelines, 2015. Collection method: clinical testing. Allele origin: unknown.

Literature cited by the submitters: PubMed 10338090 (cited by Labcorp Genetics (formerly Invitae), Labcorp); PubMed 12124992 (cited by Labcorp Genetics (formerly Invitae), Labcorp); PubMed 33057012 (cited by Natera, Inc.); PubMed 30873612 (cited by Natera, Inc.).

NM_000071.3(CBS):c.1397C>A (p.Ser466Ter)

Gene: CBS (cystathionine beta-synthase; minus strand). Cytogenetic location: 21q22.3.
Variant type: single nucleotide variant.
Coding change: c.1397C>A on transcript NM_000071.3 (MANE Select); coding-DNA position 1397, C replaced by A.
Protein change: p.Ser466Ter; replaces serine 466 with a stop codon.
Molecular consequence: nonsense.
Genome position (GRCh38, 1-based): chr21:43,058,215, G>T on the plus strand (C>A on the coding strand, the complement: CBS is on the minus strand). VCF-style: chr21-43058215-G-T. GRCh37 (hg19) VCF-style: chr21-44478325-G-T.
Other names: c.1397C>A, p.Ser466Ter (NM_001178008.3, NM_001178009.3, NM_001320298.2); c.1082C>A, p.Ser361Ter (NM_001321072.1); c.1397C>A (NM_000071.2); short protein forms S361*, S466*.
Identifiers: ClinVar variation 1073191 (VCV001073191.14), dbSNP rs121964971, ClinGen allele CA410396749.